The following is an entry in ClinVar:

ClinVar aggregate classification (germline): Uncertain significance. Review status: criteria provided, multiple submitters, no conflicts (2 of 4 stars). 2 submissions from 2 submitters: Uncertain significance (2). Last evaluated 2024-01-24.

Conditions:
Nephronophthisis. Also called: Juvenile Nephronophthisis. Identifiers: Orphanet 655, MedGen C0687120, MONDO:0019005, HP:0000090.

gnomAD v4.1: 5 of 1,611,862 alleles (0.00031%); highest among the groups gnomAD compares: Admixed American, 0.005%; no homozygotes.

Submissions (2):

GeneDx
Classification: Uncertain significance. Last evaluated: 2024-01-24. Review status: criteria provided, single submitter. Criteria: GeneDx Variant Classification Process June 2021. Collection method: clinical testing. Allele origin: germline. Affected: yes.
Comment: Not observed at significant frequency in large population cohorts (gnomAD); In silico analysis supports that this missense variant has a deleterious effect on protein structure/function; Has not been previously published as pathogenic or benign to our knowledge

Labcorp Genetics (formerly Invitae), Labcorp
Classification: Uncertain significance for Nephronophthisis. Last evaluated: 2021-08-14. Review status: criteria provided, single submitter. Criteria: Invitae Variant Classification Sherloc (09022015). Collection method: clinical testing. Allele origin: germline.
Comment: This sequence change replaces valine with phenylalanine at codon 202 of the NPHP1 protein (p.Val202Phe). The valine residue is moderately conserved and there is a small physicochemical difference between valine and phenylalanine. This variant is present in population databases (rs753605280, ExAC 0.009%). This variant has not been reported in the literature in individuals affected with NPHP1-related conditions. Algorithms developed to predict the effect of missense changes on protein structure and function are either unavailable or do not agree on the potential impact of this missense change (SIFT: "Deleterious"; PolyPhen-2: "Possibly Damaging"; Align-GVGD: "Class C0"). In summary, the available evidence is currently insufficient to determine the role of this variant in disease. Therefore, it has been classified as a Variant of Uncertain Significance.

NM_001128178.3(NPHP1):c.604G>T (p.Val202Phe)

Gene: NPHP1 (nephrocystin 1; minus strand). Cytogenetic location: 2q13.
Variant type: single nucleotide variant.
Coding change: c.604G>T on transcript NM_001128178.3 (MANE Select); coding-DNA position 604, G replaced by T.
Protein change: p.Val202Phe; replaces valine 202 with phenylalanine.
Molecular consequence: missense variant.
Genome position (GRCh38, 1-based): chr2:110,168,472, C>A on the plus strand (G>T on the coding strand, the complement: NPHP1 is on the minus strand). VCF-style: chr2-110168472-C-A. GRCh37 (hg19) VCF-style: chr2-110926049-C-A.
Other names: c.604G>T (NM_000272.3); c.604G>T, p.Val202Phe (NM_000272.5, NM_001374256.1, NM_001374257.1 and 1 more transcripts); c.418G>T, p.Val140Phe (NM_001128179.3); short protein forms V202F, V140F.
Identifiers: ClinVar variation 1950693 (VCV001950693.3), dbSNP rs753605280, ClinGen allele CA1827348.